The following is an entry in ClinVar:

NM_001735.3(C5):c.2420C>T (p.Thr807Ile)

Gene: C5 (complement C5; minus strand). Cytogenetic location: 9q33.2.
Variant type: single nucleotide variant.
Coding change: c.2420C>T on transcript NM_001735.3 (MANE Select); coding-DNA position 2420, C replaced by T.
Protein change: p.Thr807Ile; replaces threonine 807 with isoleucine.
Molecular consequence: missense variant.
Genome position (GRCh38, 1-based): chr9:121,006,906, G>A on the plus strand (C>T on the coding strand, the complement: C5 is on the minus strand). VCF-style: chr9-121006906-G-A. GRCh37 (hg19) VCF-style: chr9-123769184-G-A.
Other names: c.2438C>T, p.Thr813Ile (NM_001317163.2); c.2420C>T, p.Thr807Ile (NM_001317164.2); short protein forms T807I, T813I.
Identifiers: ClinVar variation 1284901 (VCV001284901.9), dbSNP rs372326645, ClinGen allele CA5217783.

ClinVar aggregate classification (germline): Uncertain significance. Review status: criteria provided, multiple submitters, no conflicts (2 of 4 stars). 5 submissions from 5 submitters: Uncertain significance (3). 2 of the submissions do not count toward it. Last evaluated 2025-06-12.

Conditions:
Eculizumab, poor response to. Identifiers: MedGen C3810402, OMIM 615749.
Complement component 5 deficiency. Also called: C5 DEFICIENCY. Identifiers: MedGen C0343047, MONDO:0012295, OMIM 609536.

Allele frequency attached by ClinVar (database versions not stated): ESP Exome Variant Server 0.00008; TOPMed 0.00011; gnomAD exomes 0.00017; ExAC 0.00008; gnomAD 0.00011.
gnomAD v4.1: 260 of 1,594,286 alleles (0.016%); highest among the groups gnomAD compares: Admixed American, 0.03%; no homozygotes.

Submissions (5):

Ambry Genetics
Classification: Uncertain significance. Last evaluated: 2025-06-12. Review status: criteria provided, single submitter. Criteria: Ambry Variant Classification Scheme 2023. Collection method: clinical testing. Allele origin: germline.

Labcorp Genetics (formerly Invitae), Labcorp
Classification: Uncertain significance. Last evaluated: 2022-10-08. Review status: criteria provided, single submitter. Criteria: Invitae Variant Classification Sherloc (09022015). Collection method: clinical testing. Allele origin: germline.
Comment: This sequence change replaces threonine, which is neutral and polar, with isoleucine, which is neutral and non-polar, at codon 807 of the C5 protein (p.Thr807Ile). This variant is present in population databases (rs372326645, gnomAD 0.04%). This variant has not been reported in the literature in individuals affected with C5-related conditions. ClinVar contains an entry for this variant (Variation ID: 1284901). Algorithms developed to predict the effect of missense changes on protein structure and function (SIFT, PolyPhen-2, Align-GVGD) all suggest that this variant is likely to be tolerated. In summary, the available evidence is currently insufficient to determine the role of this variant in disease. Therefore, it has been classified as a Variant of Uncertain Significance.

Fulgent Genetics
Classification: Uncertain significance for Complement component 5 deficiency; Eculizumab, poor response to. Last evaluated: 2021-07-07. Review status: criteria provided, single submitter. Criteria: ACMG Guidelines, 2015. Collection method: clinical testing. Allele origin: unknown.

Clinical Genetics DNA and cytogenetics Diagnostics Lab, Erasmus MC, Erasmus Medical Center
Classification: Likely benign. Review status: no assertion criteria provided. Collection method: clinical testing. Allele origin: germline. Affected: yes. Study: VKGL Data-share Consensus. Not counted in ClinVar's aggregate classification.

Genome Diagnostics Laboratory, University Medical Center Utrecht
Classification: Likely benign. Review status: no assertion criteria provided. Collection method: clinical testing. Allele origin: germline. Affected: yes. Study: VKGL Data-share Consensus. Not counted in ClinVar's aggregate classification.